The following is an entry in ClinVar:

NM_015909.4(NBAS):c.2383A>G (p.Lys795Glu)

Gene: NBAS (NBAS subunit of NRZ tethering complex; minus strand). Cytogenetic location: 2p24.3.
Variant type: single nucleotide variant.
Coding change: c.2383A>G on transcript NM_015909.4 (MANE Select); coding-DNA position 2383, A replaced by G.
Protein change: p.Lys795Glu; replaces lysine 795 with glutamic acid.
Molecular consequence: missense variant. On other transcripts: non-coding transcript variant (1).
Genome position (GRCh38, 1-based): chr2:15,427,751, T>C on the plus strand (A>G on the coding strand, the complement: NBAS is on the minus strand). VCF-style: chr2-15427751-T-C. GRCh37 (hg19) VCF-style: chr2-15567875-T-C.
Other names: c.2383A>G (NM_015909.2); short protein forms K795E.
Identifiers: ClinVar variation 1923186 (VCV001923186.3), dbSNP rs759098568, ClinGen allele CA1536367.

ClinVar aggregate classification (germline): Uncertain significance. Review status: criteria provided, multiple submitters, no conflicts (2 of 4 stars). 2 submissions from 2 submitters: Uncertain significance (2). Last evaluated 2024-10-06.

Conditions:
Inborn genetic diseases. Identifiers: MedGen C0950123, MeSH D030342.

Allele frequency attached by ClinVar (database versions not stated): TOPMed below 0.00001; ExAC 0.00001.
gnomAD v4.1: 5 of 1,613,584 alleles (0.00031%); highest among the groups gnomAD compares: Non-Finnish European, 0.00042%; no homozygotes.

Submissions (2):

Ambry Genetics
Classification: Uncertain significance for Inborn genetic diseases. Last evaluated: 2024-10-06. Review status: criteria provided, single submitter. Criteria: Ambry Variant Classification Scheme 2023. Collection method: clinical testing. Allele origin: germline.

Labcorp Genetics (formerly Invitae), Labcorp
Classification: Uncertain significance. Last evaluated: 2022-04-08. Review status: criteria provided, single submitter. Criteria: Invitae Variant Classification Sherloc (09022015). Collection method: clinical testing. Allele origin: germline.
Comment: This sequence change replaces lysine, which is basic and polar, with glutamic acid, which is acidic and polar, at codon 795 of the NBAS protein (p.Lys795Glu). This variant is present in population databases (rs759098568, gnomAD 0.002%). This variant has not been reported in the literature in individuals affected with NBAS-related conditions. Algorithms developed to predict the effect of missense changes on protein structure and function are either unavailable or do not agree on the potential impact of this missense change (SIFT: "Deleterious"; PolyPhen-2: "Benign"; Align-GVGD: "Class C55"). In summary, the available evidence is currently insufficient to determine the role of this variant in disease. Therefore, it has been classified as a Variant of Uncertain Significance.